The following is an entry in ClinVar:

ClinVar aggregate classification (germline): Pathogenic. Review status: criteria provided, multiple submitters, no conflicts (2 of 4 stars). 4 submissions from 4 submitters: Pathogenic (3). 1 of the submissions does not count toward it. Last evaluated 2024-12-30.

Conditions:
Glycogen storage disease type III (GSD3). Also called: FORBES DISEASE; Cori disease. Identifiers: Orphanet 366, MedGen C0017922, MONDO:0009291, OMIM 232400.

Submissions (4):

Natera, Inc.
Classification: Pathogenic for Glycogen storage disease type III. Last evaluated: 2024-12-30. Review status: criteria provided, single submitter. Criteria: Natera Variant Classification Schema (03/2026). Collection method: clinical testing. Allele origin: germline.
Comment: The c.958+1G>A variant in AGL is a canonical splice donor site variant predicted to affect pre-mRNA splicing, which may result in an abnormal transcript and altered protein product. This variant is expected to result in nonsense mediated decay, truncation, or a dysfunctional protein product. This variant is rare in the general population with a frequency below the threshold expected for the associated phenotype(s). This variant has been observed in one or more individuals affected with the associated recessive disease, as either homozygous or compound heterozygous with a second variant (PMID: 19834502, 25451950). Given the available evidence, this variant is classified as Pathogenic.

Genome-Nilou Lab
Classification: Pathogenic for Glycogen storage disease type III. Last evaluated: 2021-07-15. Review status: criteria provided, single submitter. Criteria: ACMG Guidelines, 2015. Collection method: clinical testing. Allele origin: germline. Affected: no.

Labcorp Genetics (formerly Invitae), Labcorp
Classification: Pathogenic for Glycogen storage disease type III. Last evaluated: 2021-06-23. Review status: criteria provided, single submitter. Criteria: Invitae Variant Classification Sherloc (09022015). Collection method: clinical testing. Allele origin: germline.
Comment: For these reasons, this variant has been classified as Pathogenic. Donor and acceptor splice site variants typically lead to a loss of protein function (PMID: 16199547), and loss-of-function variants in AGL are known to be pathogenic (PMID: 19299494). Algorithms developed to predict the effect of sequence changes on RNA splicing suggest that this variant may disrupt the consensus splice site, but this prediction has not been confirmed by published transcriptional studies. Disruption of this splice site has been observed in individual(s) with glycogen storage disease III (PMID: 19834502, 25451950, 26984562). ClinVar contains an entry for this variant (Variation ID: 550103). This variant is not present in population databases (ExAC no frequency). This sequence change affects a donor splice site in intron 7 of the AGL gene. It is expected to disrupt RNA splicing and likely results in an absent or disrupted protein product.

Counsyl
Classification: Pathogenic for Glycogen storage disease type III. Last evaluated: 2017-01-03. Review status: no assertion criteria provided. Collection method: clinical testing. Allele origin: unknown. Not counted in ClinVar's aggregate classification.

Literature cited by the submitters: PubMed 19834502 (cited by 3 submitters); PubMed 25451950 (cited by 3 submitters); PubMed 16199547 (cited by Labcorp Genetics (formerly Invitae), Labcorp); PubMed 19299494 (cited by Labcorp Genetics (formerly Invitae), Labcorp); PubMed 26984562 (cited by Labcorp Genetics (formerly Invitae), Labcorp).

NM_000642.3(AGL):c.958+1G>A

Gene: AGL (amylo-alpha-1,6-glucosidase and 4-alpha-glucanotransferase; plus strand). Cytogenetic location: 1p21.2.
Variant type: single nucleotide variant.
Coding change: c.958+1G>A on transcript NM_000642.3 (MANE Select); the canonical splice donor site of the intron after coding-DNA position 958, G replaced by A.
Molecular consequence: splice donor variant.
Genome position (GRCh38, 1-based): chr1:99,870,870, G>A. VCF-style: chr1-99870870-G-A. GRCh37 (hg19) VCF-style: chr1-100336426-G-A.
Other names: c.958+1G>A (NM_000643.3, NM_000644.3, NM_001425326.1 and 3 more transcripts); c.910+1G>A (NM_000646.3); c.754+1G>A (NM_001425328.1, NM_001425329.1); c.580+1G>A (NM_001425332.1).
Identifiers: ClinVar variation 550103 (VCV000550103.15), dbSNP rs1553184657, ClinGen allele CA341341936.